The following is an entry in ClinVar:

NM_173551.5(ANKS6):c.199G>A (p.Ala67Thr)

Gene: ANKS6 (ankyrin repeat and sterile alpha motif domain containing 6; minus strand). Cytogenetic location: 9q22.33.
Variant type: single nucleotide variant.
Coding change: c.199G>A on transcript NM_173551.5 (MANE Select); coding-DNA position 199, G replaced by A.
Protein change: p.Ala67Thr; replaces alanine 67 with threonine.
Molecular consequence: missense variant.
Genome position (GRCh38, 1-based): chr9:98,796,293, C>T on the plus strand (G>A on the coding strand, the complement: ANKS6 is on the minus strand). VCF-style: chr9-98796293-C-T. GRCh37 (hg19) VCF-style: chr9-101558575-C-T.
Other names: short protein forms A67T.
Identifiers: ClinVar variation 4806944 (VCV004806944.1).

ClinVar aggregate classification (germline): Uncertain significance (1 of 4 stars; one submission).

Conditions:
Nephronophthisis 16 (NPHP16). Identifiers: Orphanet 655, MedGen C3809320, MONDO:0014158, OMIM 615382.

gnomAD v4.1: 1 of 1,276,696 alleles (0.000078%); highest among the groups gnomAD compares: Admixed American, 0.0035%; no homozygotes.

Submission:

Labcorp Genetics (formerly Invitae), Labcorp
Classification: Uncertain significance for Nephronophthisis 16. Last evaluated: 2025-11-13. Review status: criteria provided, single submitter. Criteria: Invitae Variant Classification Sherloc (09022015). Collection method: clinical testing. Allele origin: germline.
Comment: This sequence change replaces alanine, which is neutral and non-polar, with threonine, which is neutral and polar, at codon 67 of the ANKS6 protein (p.Ala67Thr). The frequency data for this variant in the population databases is considered unreliable, as metrics indicate poor data quality at this position in the gnomAD database. This variant has not been reported in the literature in individuals affected with ANKS6-related conditions. An algorithm developed to predict the effect of missense changes on protein structure and function (PolyPhen-2) suggests that this variant is likely to be tolerated. In summary, the available evidence is currently insufficient to determine the role of this variant in disease. Therefore, it has been classified as a Variant of Uncertain Significance.